The following is an entry in ClinVar:

NM_017780.4(CHD7):c.2985G>T (p.Met995Ile)

Gene: CHD7 (chromodomain helicase DNA binding protein 7; plus strand). Cytogenetic location: 8q12.2.
Variant type: single nucleotide variant.
Coding change: c.2985G>T on transcript NM_017780.4 (MANE Select); coding-DNA position 2985, G replaced by T.
Protein change: p.Met995Ile; replaces methionine 995 with isoleucine.
Molecular consequence: missense variant. On other transcripts: intron variant (1).
Genome position (GRCh38, 1-based): chr8:60,822,530, G>T. VCF-style: chr8-60822530-G-T. GRCh37 (hg19) VCF-style: chr8-61735089-G-T.
Other names: c.1717-39699G>T (NM_001316690.1); short protein forms M995I.
Identifiers: ClinVar variation 3492063 (VCV003492063.1).

ClinVar aggregate classification (germline): Uncertain significance (1 of 4 stars; one submission).

Conditions:
Inborn genetic diseases. Identifiers: MedGen C0950123, MeSH D030342.

Submission:

Ambry Genetics
Classification: Uncertain significance for Inborn genetic diseases. Last evaluated: 2024-09-17. Review status: criteria provided, single submitter. Criteria: Ambry Variant Classification Scheme 2023. Collection method: clinical testing. Allele origin: germline.
Comment: The c.2985G>T (p.M995I) alteration is located in exon 12 (coding exon 11) of the CHD7 gene. This alteration results from a G to T substitution at nucleotide position 2985, causing the methionine (M) at amino acid position 995 to be replaced by an isoleucine (I). This variant was not reported in population-based cohorts in the Genome Aggregation Database (gnomAD). This amino acid position is highly conserved in available vertebrate species. This alteration is predicted to be deleterious by in silico analysis. Based on insufficient or conflicting evidence, the clinical significance of this alteration remains unclear.